The following is an entry in ClinVar:

ClinVar aggregate classification (germline): Pathogenic/Likely pathogenic. Review status: criteria provided, multiple submitters, no conflicts (2 of 4 stars). 4 submissions from 4 submitters: Pathogenic (2); Likely pathogenic (1). 1 of the submissions does not count toward it. Last evaluated 2025-06-11.

Conditions:
Pulmonary hypertension, primary, 1 (PPH1). Also called: Pulmonary hypertension, familial primary, 1, with or without HHT. Identifiers: Orphanet 422, MedGen C4552070, MONDO:0024533, OMIM 178600.
Coxopodopatellar syndrome. Also called: Small patella syndrome; ISCHIOCOXOPODOPATELLAR SYNDROME; PATELLA APLASIA, COXA VARA, AND TARSAL SYNOSTOSIS; ISCHIOCOXOPODOPATELLAR SYNDROME WITH OR WITHOUT PULMONARY ARTERIAL HYPERTENSION; ISCHIOPATELLAR DYSPLASIA; Congenital coxa vara, patella aplasia and tarsal synostosis. Identifiers: Orphanet 1509, MedGen C1840061, MONDO:0007841, OMIM 147891.

Submissions (4):

Labcorp Genetics (formerly Invitae), Labcorp
Classification: Pathogenic. Last evaluated: 2025-06-11. Review status: criteria provided, single submitter. Criteria: Invitae Variant Classification Sherloc (09022015). Collection method: clinical testing. Allele origin: germline.
Comment: This sequence change creates a premature translational stop signal (p.Arg352*) in the TBX4 gene. While this is not anticipated to result in nonsense mediated decay, it is expected to disrupt the last 194 amino acid(s) of the TBX4 protein. This variant is not present in population databases (gnomAD no frequency). This premature translational stop signal has been observed in individuals with clinical features of TBX4-related conditions (PMID: 29631995, 31151956). ClinVar contains an entry for this variant (Variation ID: 800704). This variant disrupts a region of the TBX4 protein in which other variant(s) (p.Arg526*) have been determined to be pathogenic (internal data). This suggests that this is a clinically significant region of the protein, and that variants that disrupt it are likely to be disease-causing. For these reasons, this variant has been classified as Pathogenic.

GeneDx
Classification: Likely pathogenic. Last evaluated: 2025-06-09. Review status: criteria provided, single submitter. Criteria: GeneDx Variant Classification Process June 2021. Collection method: clinical testing. Allele origin: germline. Affected: yes.
Comment: Previously reported in an individual with persistent pulmonary hypertension of the newborn, respiratory distress, pneumothorax, small patella syndrome, pelvis and foot anomaly, atrial septal defect, and interstitial lung disease; variant was inherited from the mother with small patella syndrome (PMID: 31151956); Nonsense variant predicted to result in protein truncation, as the last 194 amino acids are lost, and other loss-of-function variants have been reported downstream in HGMD; Not observed at significant frequency in large population cohorts (gnomAD); This variant is associated with the following publications: (PMID: 29631995, 31151956)

Wendy Chung Laboratory, Boston Children's Hospital
Classification: Pathogenic for Pulmonary hypertension, primary, 1; Coxopodopatellar syndrome. Last evaluated: 2018-04-01. Review status: criteria provided, single submitter. Criteria: ACMG Guidelines, 2015. Collection method: literature only, research. Allele origin: germline, de novo. Inheritance: Autosomal dominant inheritance. Affected: yes. Observed: 2 variant alleles.

OMIM
Classification: Pathogenic for ISCHIOCOXOPODOPATELLAR SYNDROME. Last evaluated: 2019-12-27. Review status: no assertion criteria provided. Collection method: literature only. Allele origin: germline. Not counted in ClinVar's aggregate classification.

Literature cited by the submitters: PubMed 29631995 (cited by Labcorp Genetics (formerly Invitae), Labcorp and Wendy Chung Laboratory, Boston Children's Hospital); PubMed 31151956 (cited by Labcorp Genetics (formerly Invitae), Labcorp and OMIM).

NM_001321120.2(TBX4):c.1057C>T (p.Arg353Ter)

Gene: TBX4 (T-box transcription factor 4; plus strand). Cytogenetic location: 17q23.2.
Variant type: single nucleotide variant.
Coding change: c.1057C>T on transcript NM_001321120.2 (MANE Select); coding-DNA position 1057, C replaced by T.
Protein change: p.Arg353Ter; replaces arginine 353 with a stop codon.
Molecular consequence: nonsense.
Genome position (GRCh38, 1-based): chr17:61,482,932, C>T. VCF-style: chr17-61482932-C-T. GRCh37 (hg19) VCF-style: chr17-59560293-C-T.
Other names: c.1054C>T, p.Arg352Ter (NM_018488.3); c.1054C>T (NM_018488.2); short protein forms R352*, R353*.
Identifiers: ClinVar variation 800704 (VCV000800704.9), dbSNP rs1603256040, ClinGen allele CA400475522.